The following is an entry in ClinVar:

NM_000535.7(PMS2):c.415C>A (p.His139Asn)

Gene: PMS2 (PMS1 homolog 2, mismatch repair system component; minus strand). Cytogenetic location: 7p22.1.
Variant type: single nucleotide variant.
Coding change: c.415C>A on transcript NM_000535.7 (MANE Select); coding-DNA position 415, C replaced by A.
Protein change: p.His139Asn; replaces histidine 139 with asparagine.
Molecular consequence: missense variant. On other transcripts: non-coding transcript variant (1), intron variant (1), 5 prime UTR variant (2).
Genome position (GRCh38, 1-based): chr7:6,002,575, G>T on the plus strand (C>A on the coding strand, the complement: PMS2 is on the minus strand). VCF-style: chr7-6002575-G-T. GRCh37 (hg19) VCF-style: chr7-6042206-G-T.
Other names: c.10C>A, p.His4Asn (NM_001406889.1, NM_001406890.1, NM_001406891.1 and 24 more transcripts); c.106C>A, p.His36Asn (NM_001406900.1, NM_001322015.2, NM_001406882.1 and 6 more transcripts); c.97C>A, p.His33Asn (NM_001406901.1, NM_001406902.1, NM_001406903.1 and 4 more transcripts); c.415C>A, p.His139Asn (NM_001406912.1, NM_001322006.2, NM_001322014.2 and 8 more transcripts); c.250+1397C>A (NM_001406885.1); c.-470C>A (NM_001322011.2, NM_001322012.2); c.601C>A, p.His201Asn (NM_001406866.1); c.439C>A, p.His147Asn (NM_001406868.1); short protein forms H139N, H147N, H201N, H33N, H36N, H4N.
Identifiers: ClinVar variation 4862122 (VCV004862122.1).
Genomic context (GRCh38, chr7:6,002,575, plus strand): 5'-CGCTGACTGTGGTCCCTCTGGGGCGGGGGTAGGGGGTTTTCTGGATAATTTTCCCATTGT[G>T]ATCAAACATCAGTCGAGTTCCAACCTTCGCCGATGCGTGGCAGGTAGAAATGGTGACATC-3'
Protein context (NP_000526.2, residues 129-149): AKVGTRLMFD[His139Asn]NGKIIQKTPY

ClinVar aggregate classification (germline): Uncertain significance (1 of 4 stars; one submission).

Conditions:
Hereditary cancer-predisposing syndrome. Also called: Neoplastic Syndromes, Hereditary; Tumor predisposition; Hereditary Cancer Syndrome; Hereditary neoplastic syndrome. Identifiers: Orphanet 140162, MedGen C0027672, MeSH D009386, MONDO:0015356.

Submission:

Ambry Genetics
Classification: Uncertain significance for Hereditary cancer-predisposing syndrome. Last evaluated: 2026-05-14. Review status: criteria provided, single submitter. Criteria: Ambry Variant Classification Scheme 2023. Collection method: clinical testing. Allele origin: germline.
Comment: The p.H139N variant (also known as c.415C>A), located in coding exon 5 of the PMS2 gene, results from a C to A substitution at nucleotide position 415. The histidine at codon 139 is replaced by asparagine, an amino acid with similar properties. This amino acid position is conserved. In addition, the in silico prediction for this alteration is inconclusive. Based on the available evidence, the clinical significance of this variant remains unclear.